The following is an entry in ClinVar:

ClinVar aggregate classification (germline): Uncertain significance (1 of 4 stars; one submission).

Conditions:
Holocarboxylase synthetase deficiency. Also called: MULTIPLE CARBOXYLASE DEFICIENCY, EARLY ONSET. Identifiers: Orphanet 79242, MedGen C0268581, MONDO:0009666, OMIM 253270.

Allele frequency attached by ClinVar (database versions not stated): ExAC 0.00002; gnomAD 0.00006; TOPMed 0.00008.
gnomAD v4.1: 17 of 1,613,450 alleles (0.0011%); highest among the groups gnomAD compares: African/African-American, 0.021%; no homozygotes.

Submission:

Labcorp Genetics (formerly Invitae), Labcorp
Classification: Uncertain significance for Holocarboxylase synthetase deficiency. Last evaluated: 2025-10-01. Review status: criteria provided, single submitter. Criteria: Invitae Variant Classification Sherloc (09022015). Collection method: clinical testing. Allele origin: germline.
Comment: This sequence change replaces leucine, which is neutral and non-polar, with tryptophan, which is neutral and slightly polar, at codon 21 of the HLCS protein (p.Leu21Trp). This variant is present in population databases (rs753272133, gnomAD 0.009%). This variant has not been reported in the literature in individuals affected with HLCS-related conditions. ClinVar contains an entry for this variant (Variation ID: 2060760). Invitae Evidence Modeling of protein sequence and biophysical properties (such as structural, functional, and spatial information, amino acid conservation, physicochemical variation, residue mobility, and thermodynamic stability) indicates that this missense variant is expected to disrupt HLCS protein function with a positive predictive value of 95%. In summary, the available evidence is currently insufficient to determine the role of this variant in disease. Therefore, it has been classified as a Variant of Uncertain Significance.

NM_001352514.2(HLCS):c.503T>G (p.Leu168Trp)

Gene: HLCS (holocarboxylase synthetase; minus strand). Cytogenetic location: 21q22.13.
Variant type: single nucleotide variant.
Coding change: c.503T>G on transcript NM_001352514.2 (MANE Select); coding-DNA position 503, T replaced by G.
Protein change: p.Leu168Trp; replaces leucine 168 with tryptophan.
Molecular consequence: missense variant. On other transcripts: non-coding transcript variant (2).
Genome position (GRCh38, 1-based): chr21:36,937,383, A>C on the plus strand (T>G on the coding strand, the complement: HLCS is on the minus strand). VCF-style: chr21-36937383-A-C. GRCh37 (hg19) VCF-style: chr21-38309683-A-C.
Other names: c.62T>G, p.Leu21Trp (NM_001242784.3, NM_001242785.2, NM_001352515.2 and 4 more transcripts); short protein forms L168W, L21W.
Identifiers: ClinVar variation 2060760 (VCV002060760.2), dbSNP rs753272133, ClinGen allele CA10020747.
Genomic context (GRCh38, chr21:36,937,383, plus strand): 5'-AGGATCTGGGCTTGCTTGTTTGAGACCTGATCCTTAACTTCCTTCAGAGTGGAGTCCTGC[A>C]AGTGCACCGCTAAGGCATGAATAGGAGAGAGAGACAGAAAATTAATCAACACTTCTTGTA-3'
Protein context (NP_001339443.1, residues 158-178): LVPQKIVSVH[Leu168Trp]QDSTLKEVKD